The following is an entry in ClinVar:

NM_004836.7(EIF2AK3):c.1994del (p.Lys665fs)

Gene: EIF2AK3 (eukaryotic translation initiation factor 2 alpha kinase 3; minus strand). Cytogenetic location: 2p11.2.
Variant type: Deletion.
Coding change: c.1994del on transcript NM_004836.7 (MANE Select); coding-DNA position 1994, one base deleted (A; older notation c.1994delA).
Protein change: p.Lys665fs; shifts the reading frame from lysine 665.
Molecular consequence: frameshift variant.
Genome position (GRCh38, 1-based): chr2:88,576,596, T deleted on the plus strand (A on the coding strand, the reverse complement: EIF2AK3 is on the minus strand); the first of 2 consecutive T bases (chr2:88,576,596-88,576,597); deleting either gives the same sequence. VCF-style (leftmost placement, unchanged base first): chr2-88576595-CT-C. GRCh37 (hg19) VCF-style: chr2-88876113-CT-C.
Other names: c.1541del, p.Lys514fs (NM_001313915.2); short protein forms K514fs, K665fs.
Identifiers: ClinVar variation 4082419 (VCV004082419.2).

ClinVar aggregate classification (germline): Likely pathogenic (1 of 4 stars; one submission).

Submission:

Genetic Services Laboratory, University of Chicago
Classification: Likely pathogenic. Last evaluated: 2023-12-04. Review status: criteria provided, single submitter. Criteria: ACMG Guidelines, 2015. Collection method: clinical testing. Allele origin: germline. Affected: yes.
Comment: DNA sequence analysis of the EIF2AK3 gene demonstrated a single base pair deletion in exon 12, c.1994del in the homozygous state. This sequence change results in an amino acid frameshift and creates a premature stop codon 11 amino acids downstream of the change, p.Lys665Serfs*11. This sequence change is predicted to result in an abnormal transcript, which may be degraded, or may lead to the production of a truncated EIF2AK3 protein with potentially abnormal function. The c.1994del sequence change has not been described in population databases such as ExAC and gnomAD. While this sequence change has not previously been described in the literature, other truncating sequence changes in the EIF2AK3 gene have been described in several individuals with EIF2AK3-related Wolcott-Rallison syndrome (PMID: 28843469, 19837917). Collectively, this evidence indicates that this sequence change is likely pathogenic, however functional studies have not been performed to prove this conclusively.